The following is an entry in ClinVar:

NM_018368.4(LMBRD1):c.308-1G>A

Gene: LMBRD1 (LMBR1 domain containing 1; minus strand). Cytogenetic location: 6q13.
Variant type: single nucleotide variant.
Coding change: c.308-1G>A on transcript NM_018368.4 (MANE Select); the canonical splice acceptor site of the intron before coding-DNA position 308, G replaced by A.
Molecular consequence: splice acceptor variant.
Genome position (GRCh38, 1-based): chr6:69,752,357, C>T on the plus strand (G>A on the coding strand, the complement: LMBRD1 is on the minus strand). VCF-style: chr6-69752357-C-T. GRCh37 (hg19) VCF-style: chr6-70462249-C-T.
Other names: c.89-1G>A (NM_001367272.1, NM_001367271.1, NM_001363722.2).
Identifiers: ClinVar variation 2820119 (VCV002820119.3), dbSNP rs2481411386, ClinGen allele CA364802219.
Genomic context (GRCh38, chr6:69,752,357, plus strand): 5'-AATAGAAGTAGACAAAAGGGATCCAGAAGAACACACAGAACAATATAACAGAATATAAAG[C>T]TGTGGAAATAAATAATAAACCGAGCTTTACTAAATACATATGTACTTAATCATGGTTATC-3'

ClinVar aggregate classification (germline): Likely pathogenic (1 of 4 stars; one submission).

Conditions:
Methylmalonic aciduria and homocystinuria type cblF. Also called: VITAMIN B12 LYSOSOMAL RELEASE DEFECT; VITAMIN B12 STORAGE DISEASE; COBALAMIN F DISEASE; COBALAMIN, DEFECT IN LYSOSOMAL RELEASE OF; METHYLMALONIC ACIDEMIA AND HOMOCYSTINURIA, cblF TYPE; METHYLMALONIC ACIDURIA DUE TO VITAMIN B12-RELEASE DEFECT. Identifiers: Orphanet 79284, MedGen C1848578, MONDO:0010183, OMIM 277380.

Submission:

Labcorp Genetics (formerly Invitae), Labcorp
Classification: Likely pathogenic for Methylmalonic aciduria and homocystinuria type cblF. Last evaluated: 2022-12-11. Review status: criteria provided, single submitter. Criteria: Invitae Variant Classification Sherloc (09022015). Collection method: clinical testing. Allele origin: germline.
Comment: In summary, the currently available evidence indicates that the variant is pathogenic, but additional data are needed to prove that conclusively. Therefore, this variant has been classified as Likely Pathogenic. Algorithms developed to predict the effect of sequence changes on RNA splicing suggest that this variant may disrupt the consensus splice site. This variant has not been reported in the literature in individuals affected with LMBRD1-related conditions. This variant is not present in population databases (gnomAD no frequency). This sequence change affects an acceptor splice site in intron 3 of the LMBRD1 gene. It is expected to disrupt RNA splicing. Variants that disrupt the donor or acceptor splice site typically lead to a loss of protein function (PMID: 16199547), and loss-of-function variants in LMBRD1 are known to be pathogenic (PMID: 19136951, 21303734).

Literature cited by the submitters: PubMed 16199547; PubMed 19136951; PubMed 21303734.